The following is an entry in ClinVar:

ClinVar aggregate classification (germline): Benign/Likely benign. Review status: criteria provided, multiple submitters, no conflicts (2 of 4 stars). 4 submissions from 4 submitters: Benign (2); Likely benign (1). 1 of the submissions does not count toward it. Last evaluated 2025-11-20.

Conditions:
Cardiovascular phenotype. Identifiers: MedGen CN230736.
CALM3-related disorder. Also called: CALM3-related condition.
Long QT syndrome 1 (LQT1). Identifiers: Orphanet 101016, Orphanet 768, MedGen C4551647, MONDO:0100316, OMIM 192500, MONDO:0008646.

Allele frequency attached by ClinVar (database versions not stated): gnomAD 0.00002; gnomAD exomes 0.00002 and 0.00008; TOPMed 0.00006; ExAC 0.00008.
gnomAD v4.1: 31 of 1,614,036 alleles (0.0019%); highest among the groups gnomAD compares: East Asian, 0.062%; no homozygotes.

Submissions (4):

Labcorp Genetics (formerly Invitae), Labcorp
Classification: Benign for Long QT syndrome 1. Last evaluated: 2025-11-20. Review status: criteria provided, single submitter. Criteria: Invitae Variant Classification Sherloc (09022015). Collection method: clinical testing. Allele origin: germline.

Ambry Genetics
Classification: Likely benign for Cardiovascular phenotype. Last evaluated: 2025-01-27. Review status: criteria provided, single submitter. Criteria: Ambry Variant Classification Scheme 2023. Collection method: clinical testing. Allele origin: germline.

Women's Health and Genetics/Laboratory Corporation of America, LabCorp
Classification: Benign. Last evaluated: 2023-11-20. Review status: criteria provided, single submitter. Criteria: LabCorp Variant Classification Summary - May 2015. Collection method: clinical testing. Allele origin: germline.

PreventionGenetics, part of Exact Sciences
Classification: Likely benign for CALM3-related condition. Last evaluated: 2019-04-01. Review status: no assertion criteria provided. Collection method: clinical testing. Allele origin: germline. Not counted in ClinVar's aggregate classification.
Comment: This variant is classified as likely benign based on ACMG/AMP sequence variant interpretation guidelines (Richards et al. 2015 PMID: 25741868, with internal and published modifications).

NM_005184.4(CALM3):c.249G>A (p.Glu83=)

Gene: CALM3 (calmodulin 3; plus strand). Cytogenetic location: 19q13.32.
Variant type: single nucleotide variant.
Coding change: c.249G>A on transcript NM_005184.4 (MANE Select); coding-DNA position 249, G replaced by A.
Protein change: p.Glu83=; no amino-acid change (glutamic acid 83 retained).
Molecular consequence: synonymous variant.
Genome position (GRCh38, 1-based): chr19:46,608,552, G>A. VCF-style: chr19-46608552-G-A. GRCh37 (hg19) VCF-style: chr19-47111809-G-A.
Other names: c.141G>A, p.Glu47= (NM_001329921.1, NM_001329923.1, NM_001329924.2 and 2 more transcripts); c.249G>A, p.Glu83= (NM_001329922.1); c.249G>A (NM_005184.3, NM_005184.2).
Identifiers: ClinVar variation 1166599 (VCV001166599.13), dbSNP rs755348000, ClinGen allele CA9529786.